The following is an entry in ClinVar:

NM_004481.5(GALNT2):c.1560+4C>T

Gene: GALNT2 (polypeptide N-acetylgalactosaminyltransferase 2; plus strand). Cytogenetic location: 1q42.13.
Variant type: single nucleotide variant.
Coding change: c.1560+4C>T on transcript NM_004481.5 (MANE Select); 4 bases into the intron after coding-DNA position 1560, C replaced by T.
Molecular consequence: intron variant.
Genome position (GRCh38, 1-based): chr1:230,274,568, C>T. VCF-style: chr1-230274568-C-T. GRCh37 (hg19) VCF-style: chr1-230410314-C-T.
Other names: c.1446+4C>T (NM_001291866.2); c.1560+4C>T (NM_004481.3).
Identifiers: ClinVar variation 1420475 (VCV001420475.5), dbSNP rs564186145, ClinGen allele CA1446548.

ClinVar aggregate classification (germline): Uncertain significance. Review status: criteria provided, multiple submitters, no conflicts (2 of 4 stars). 3 submissions from 3 submitters: Uncertain significance (3). Last evaluated 2021-10-31.

Conditions:
Inborn genetic diseases. Identifiers: MedGen C0950123, MeSH D030342.

Allele frequency attached by ClinVar (database versions not stated): gnomAD exomes 0.00010 and 0.00016; 1000 Genomes Project 30x 0.00016; ExAC 0.00017; gnomAD 0.00019; 1000 Genomes Project 0.00020; TOPMed 0.00025.
gnomAD v4.1: 169 of 1,613,626 alleles (0.01%); highest among the groups gnomAD compares: Middle Eastern, 0.33%; 2 homozygotes.

Submissions (3):

Labcorp Genetics (formerly Invitae), Labcorp
Classification: Uncertain significance. Last evaluated: 2021-10-31. Review status: criteria provided, single submitter. Criteria: Invitae Variant Classification Sherloc (09022015). Collection method: clinical testing. Allele origin: germline.
Comment: This sequence change falls in intron 15 of the GALNT2 gene. It does not directly change the encoded amino acid sequence of the GALNT2 protein. It affects a nucleotide within the consensus splice site. This variant is present in population databases (rs564186145, gnomAD 0.05%). This variant has not been reported in the literature in individuals affected with GALNT2-related conditions. Variants that disrupt the consensus splice site are a relatively common cause of aberrant splicing (PMID: 17576681, 9536098). Algorithms developed to predict the effect of sequence changes on RNA splicing suggest that this variant is not likely to affect RNA splicing. In summary, the available evidence is currently insufficient to determine the role of this variant in disease. Therefore, it has been classified as a Variant of Uncertain Significance.

Ambry Genetics
Classification: Uncertain significance for Inborn genetic diseases. Last evaluated: 2021-10-12. Review status: criteria provided, single submitter. Criteria: Ambry Variant Classification Scheme 2023. Collection method: clinical testing. Allele origin: germline.
Comment: The c.1560+4C>T intronic alteration consists of a C to T substitution nucleotides after coding exon 15 in the GALNT2 gene. Based on insufficient or conflicting evidence, the clinical significance of this alteration remains unclear.

Breakthrough Genomics
Classification: Uncertain significance. Review status: criteria provided, single submitter. Criteria: ACMG Guidelines, 2015. Collection method: not provided. Allele origin: germline. Inheritance: Autosomal recessive inheritance. Affected: yes.

Literature cited by the submitters: PubMed 17576681 (cited by Labcorp Genetics (formerly Invitae), Labcorp); PubMed 9536098 (cited by Labcorp Genetics (formerly Invitae), Labcorp).